The following is an entry in ClinVar:

NM_001048174.2(MUTYH):c.368G>T (p.Gly123Val)

Gene: MUTYH (mutY DNA glycosylase; minus strand). Cytogenetic location: 1p34.1.
Variant type: single nucleotide variant.
Coding change: c.368G>T on transcript NM_001048174.2 (MANE Select); coding-DNA position 368, G replaced by T.
Protein change: p.Gly123Val; replaces glycine 123 with valine.
Molecular consequence: missense variant. On other transcripts: non-coding transcript variant (1), intron variant (2).
Genome position (GRCh38, 1-based): chr1:45,333,107, C>A on the plus strand (G>T on the coding strand, the complement: MUTYH is on the minus strand). VCF-style: chr1-45333107-C-A. GRCh37 (hg19) VCF-style: chr1-45798779-C-A.
Other names: c.368G>T, p.Gly123Val (NM_001048171.2, NM_001048173.2, NM_001293195.2); c.371G>T, p.Gly124Val (NM_001048172.2); c.452G>T, p.Gly151Val (NM_001128425.2); c.413G>T, p.Gly138Val (NM_001293190.2); c.401G>T, p.Gly134Val (NM_001293191.2); c.92G>T, p.Gly31Val (NM_001293192.2, NM_001293196.2); c.443G>T, p.Gly148Val (NM_012222.3); c.34-148G>T (NM_001350651.2, NM_001350650.2); short protein forms G123V, G124V, G134V, G138V, G148V, G151V, G31V.
Identifiers: ClinVar variation 1052476 (VCV001052476.11), dbSNP rs2149164661, ClinGen allele CA340136083.

ClinVar aggregate classification (germline): Conflicting classifications of pathogenicity. Review status: criteria provided, conflicting classifications (1 of 4 stars). 3 submissions from 3 submitters: Uncertain significance (2); Likely benign (1). Last evaluated 2025-09-09.

Conditions:
Hereditary cancer-predisposing syndrome. Also called: Neoplastic Syndromes, Hereditary; Hereditary Cancer Syndrome; Hereditary neoplastic syndrome; Tumor predisposition. Identifiers: Orphanet 140162, MedGen C0027672, MeSH D009386, MONDO:0015356.
Familial adenomatous polyposis 2. Also called: Adenomas, multiple colorectal; MUTYH Polyposis; COLORECTAL ADENOMATOUS POLYPOSIS, AUTOSOMAL RECESSIVE; ADENOMAS, MULTIPLE COLORECTAL, AUTOSOMAL RECESSIVE; FAP type 2; MUTYH-associated polyposis. Identifiers: Orphanet 220460, Orphanet 247798, MedGen C3272841, MONDO:0012041, OMIM 608456.

Submissions (3):

Ambry Genetics
Classification: Likely benign for Hereditary cancer-predisposing syndrome. Last evaluated: 2025-09-09. Review status: criteria provided, single submitter. Criteria: Ambry Variant Classification Scheme 2023. Collection method: clinical testing. Allele origin: germline.

Labcorp Genetics (formerly Invitae), Labcorp
Classification: Uncertain significance for Familial adenomatous polyposis 2. Last evaluated: 2025-04-18. Review status: criteria provided, single submitter. Criteria: Invitae Variant Classification Sherloc (09022015). Collection method: clinical testing. Allele origin: germline.
Comment: This sequence change replaces glycine, which is neutral and non-polar, with valine, which is neutral and non-polar, at codon 151 of the MUTYH protein (p.Gly151Val). This variant is not present in population databases (gnomAD no frequency). This variant has not been reported in the literature in individuals affected with MUTYH-related conditions. ClinVar contains an entry for this variant (Variation ID: 1052476). An algorithm developed to predict the effect of missense changes on protein structure and function (PolyPhen-2) suggests that this variant is likely to be tolerated. In summary, the available evidence is currently insufficient to determine the role of this variant in disease. Therefore, it has been classified as a Variant of Uncertain Significance.

Baylor Genetics
Classification: Uncertain significance for Familial adenomatous polyposis 2. Last evaluated: 2024-01-30. Review status: criteria provided, single submitter. Criteria: ACMG Guidelines, 2015. Collection method: clinical testing. Allele origin: unknown.